The following is an entry in ClinVar:

ClinVar aggregate classification (germline): Uncertain significance (1 of 4 stars; one submission).

Allele frequency attached by ClinVar (database versions not stated): gnomAD below 0.00001 and 0.00002; gnomAD exomes 0.00002 and 0.00004; ExAC 0.00005.
gnomAD v4.1: 31 of 1,612,352 alleles (0.0019%); highest among the groups gnomAD compares: South Asian, 0.032%; no homozygotes.

Submission:

Labcorp Genetics (formerly Invitae), Labcorp
Classification: Uncertain significance. Last evaluated: 2025-08-07. Review status: criteria provided, single submitter. Criteria: Invitae Variant Classification Sherloc (09022015). Collection method: clinical testing. Allele origin: germline.
Comment: This sequence change replaces aspartic acid, which is acidic and polar, with glycine, which is neutral and non-polar, at codon 151 of the ATF6 protein (p.Asp151Gly). This variant is present in population databases (rs781491424, gnomAD 0.03%). This variant has not been reported in the literature in individuals affected with ATF6-related conditions. ClinVar contains an entry for this variant (Variation ID: 963091). Invitae Evidence Modeling of protein sequence and biophysical properties (such as structural, functional, and spatial information, amino acid conservation, physicochemical variation, residue mobility, and thermodynamic stability) indicates that this missense variant is not expected to disrupt ATF6 protein function with a negative predictive value of 80%. Algorithms developed to predict the effect of sequence changes on RNA splicing suggest that this variant may disrupt the consensus splice site. In summary, the available evidence is currently insufficient to determine the role of this variant in disease. Therefore, it has been classified as a Variant of Uncertain Significance.

NM_007348.4(ATF6):c.452A>G (p.Asp151Gly)

Gene: ATF6 (activating transcription factor 6; plus strand). Cytogenetic location: 1q23.3.
Variant type: single nucleotide variant.
Coding change: c.452A>G on transcript NM_007348.4 (MANE Select); coding-DNA position 452, A replaced by G.
Protein change: p.Asp151Gly; replaces aspartic acid 151 with glycine.
Molecular consequence: missense variant.
Genome position (GRCh38, 1-based): chr1:161,791,505, A>G. VCF-style: chr1-161791505-A-G. GRCh37 (hg19) VCF-style: chr1-161761295-A-G.
Other names: short protein forms D151G.
Identifiers: ClinVar variation 963091 (VCV000963091.5), dbSNP rs781491424, ClinGen allele CA1214209.